The following is an entry in ClinVar:

ClinVar aggregate classification (germline): Uncertain significance (1 of 4 stars; one submission).

Conditions:
Autosomal recessive limb-girdle muscular dystrophy type 2J (LGMDR10). Also called: Limb-girdle muscular dystrophy, type 2J; MUSCULAR DYSTROPHY, LIMB-GIRDLE, AUTOSOMAL RECESSIVE 10. Identifiers: Orphanet 140922, MedGen C1837342, MONDO:0012127, OMIM 608807.
Dilated cardiomyopathy 1G (CMD1G). Identifiers: Orphanet 154, MedGen C1858763, MONDO:0011400, OMIM 604145.

Submission:

Labcorp Genetics (formerly Invitae), Labcorp
Classification: Uncertain significance for Dilated cardiomyopathy 1G; Autosomal recessive limb-girdle muscular dystrophy type 2J. Last evaluated: 2025-11-26. Review status: criteria provided, single submitter. Criteria: Invitae Variant Classification Sherloc (09022015). Collection method: clinical testing. Allele origin: germline.
Comment: This variant, c.211_216del, results in the deletion of 2 amino acid(s) of the TTN protein (p.Thr71_Lys72del), but otherwise preserves the integrity of the reading frame. This variant is present in population databases (no rsID available, gnomAD 0.0009%). This variant has been observed in individual(s) with autosomal recessive TTN-related conditions (internal data). Experimental studies and prediction algorithms are not available or were not evaluated, and the functional significance of this variant is currently unknown. This variant is located in the Z band of TTN (PMID: 25589632). Non-truncating variants in this region may be clinically relevant, but have not been definitively shown to cause cardiomyopathy or neuromuscular disease (PMID: 27493940, 32778822). In summary, the available evidence is currently insufficient to determine the role of this variant in disease. Therefore, it has been classified as a Variant of Uncertain Significance.

Literature cited by the submitters: PubMed 25589632; PubMed 27493940; PubMed 32778822.

NM_001267550.2(TTN):c.211_216del (p.Thr71_Lys72del)

Gene: TTN (titin; minus strand). Cytogenetic location: 2q31.2.
Variant type: Deletion.
Coding change: c.211_216del on transcript NM_001267550.2 (MANE Select); coding-DNA positions 211 to 216, 6 bases deleted (ACTAAA; older notation c.211_216delACTAAA).
Protein change: p.Thr71_Lys72del.
Genome position (GRCh38, 1-based): chr2:178,802,217-178,802,222, TTTAGT deleted on the plus strand (ACTAAA on the coding strand, the reverse complement: TTN is on the minus strand). VCF-style (leftmost placement, unchanged base first): chr2-178802216-CTTTAGT-C. GRCh37 (hg19) VCF-style: chr2-179666943-CTTTAGT-C.
Other names: c.211_216del, p.Thr71_Lys72del (NM_001256850.1, NM_003319.4, NM_133378.4 and 3 more transcripts).
Identifiers: ClinVar variation 4787711 (VCV004787711.1).